The following is an entry in ClinVar:

NM_018896.5(CACNA1G):c.6062T>C (p.Met2021Thr)

Gene: CACNA1G (calcium voltage-gated channel subunit alpha1 G; plus strand). Cytogenetic location: 17q21.33.
Variant type: single nucleotide variant.
Coding change: c.6062T>C on transcript NM_018896.5 (MANE Select); coding-DNA position 6062, T replaced by C.
Protein change: p.Met2021Thr; replaces methionine 2021 with threonine.
Molecular consequence: missense variant. On other transcripts: non-coding transcript variant (5).
Genome position (GRCh38, 1-based): chr17:50,623,908, T>C. VCF-style: chr17-50623908-T-C. GRCh37 (hg19) VCF-style: chr17-48701269-T-C.
Other names: c.5894T>C, p.Met1965Thr (NM_198380.3); c.5714T>C, p.Met1905Thr (NM_198382.3); c.5849T>C, p.Met1950Thr (NM_198383.3); c.5783T>C, p.Met1928Thr (NM_198384.3, NM_001256333.2); c.5927T>C, p.Met1976Thr (NM_198385.3); c.5729T>C, p.Met1910Thr (NM_198386.3); c.5681T>C, p.Met1894Thr (NM_198387.3, NM_001256329.2, NM_198376.3); c.5660T>C, p.Met1887Thr (NM_198388.3); and 15 more; short protein forms M1883T, M1892T, M1942T, M1950T, M1871T, M1887T, M1890T, M1894T.
Identifiers: ClinVar variation 4088194 (VCV004088194.1).
Genomic context (GRCh38, chr17:50,623,908, plus strand): 5'-CAGTTACCAAACCCACGCACACCCTCTTCCTCCACCTCCCTCCCCTGTTCCTTTTGCAGA[T>C]GCAGCCCCACCCCACGGAGCTGCCAGGACCAGACTTACTGACTGTGCGGAAGTCTGGGGT-3'
Protein context (NP_061496.2, residues 2011-2031): TLLLSALESN[Met2021Thr]QPHPTELPGP

ClinVar aggregate classification (germline): Uncertain significance (1 of 4 stars; one submission).

Submission:

GeneDx
Classification: Uncertain significance. Last evaluated: 2025-03-24. Review status: criteria provided, single submitter. Criteria: GeneDx Variant Classification Process June 2021. Collection method: clinical testing. Allele origin: germline. Affected: yes.
Comment: Not observed at significant frequency in large population cohorts (gnomAD); In silico analysis indicates that this missense variant does not alter protein structure/function; Has not been previously published as pathogenic or benign to our knowledge